The following is an entry in ClinVar:

ClinVar aggregate classification (germline): Uncertain significance (1 of 4 stars; one submission).

Conditions:
Galactosylceramide beta-galactosidase deficiency. Also called: GALACTOCEREBROSIDASE DEFICIENCY; GALC DEFICIENCY; GLOBOID CELL LEUKOENCEPHALOPATHY; Leukodystrophy, Globoid Cell; Krabbe Disease. Identifiers: Orphanet 487, MedGen C0023521, MONDO:0009499, OMIM 245200.

gnomAD v4.1: 4 of 1,613,590 alleles (0.00025%); highest among the groups gnomAD compares: Non-Finnish European, 0.00034%; no homozygotes.

Submission:

Myriad Genetics, Inc.
Classification: Uncertain significance for Galactosylceramide beta-galactosidase deficiency. Last evaluated: 2025-12-18. Review status: criteria provided, single submitter. Criteria: Myriad Autosomal Dominant, Autosomal Recessive and X-Linked Classification Criteria (2023). Collection method: clinical testing. Allele origin: unknown.
Comment: NM_000153.3(GALC):c.833C>T(T278I) is a missense variant classified as a variant of uncertain significance in the context of Krabbe disease. T278I has been observed in a case with relevant disease (PMID: 10234611). Relevant functional assessments of this variant are available in the literature (PMID: 10234611). T278I has not been observed in referenced population frequency databases. In summary, there is insufficient evidence to classify NM_000153.3(GALC):c.833C>T(T278I) as pathogenic or benign. Please note: this variant was assessed in the context of healthy population screening.

Literature cited by the submitters: PubMed 10234611.

NM_000153.4(GALC):c.833C>T (p.Thr278Ile)

Gene: GALC (galactosylceramidase; minus strand). Cytogenetic location: 14q31.3.
Variant type: single nucleotide variant.
Coding change: c.833C>T on transcript NM_000153.4 (MANE Select); coding-DNA position 833, C replaced by T.
Protein change: p.Thr278Ile; replaces threonine 278 with isoleucine.
Molecular consequence: missense variant. On other transcripts: non-coding transcript variant (1).
Genome position (GRCh38, 1-based): chr14:87,968,410, G>A on the plus strand (C>T on the coding strand, the complement: GALC is on the minus strand). VCF-style: chr14-87968410-G-A. GRCh37 (hg19) VCF-style: chr14-88434754-G-A.
Other names: c.764C>T, p.Thr255Ile (NM_001201401.2); c.755C>T, p.Thr252Ile (NM_001201402.2); c.665C>T, p.Thr222Ile (NM_001424071.1, NM_001424072.1, NM_001424073.1); c.485C>T, p.Thr162Ile (NM_001424074.1, NM_001424075.1); c.200C>T, p.Thr67Ile (NM_001424076.1, NM_001424077.1); short protein forms T162I, T222I, T252I, T278I, T67I, T255I.
Identifiers: ClinVar variation 5003205 (VCV005003205.1).